The following is an entry in ClinVar:

ClinVar aggregate classification (germline): Uncertain significance. Review status: criteria provided, multiple submitters, no conflicts (2 of 4 stars). 3 submissions from 3 submitters: Uncertain significance (3). Last evaluated 2025-06-22.

Conditions:
FOXE3-related disorder. Also called: FOXE3-related condition.
Anterior segment dysgenesis. Also called: Ocular anterior segment dysgenesis. Identifiers: Orphanet 88632, MedGen C1862839, MONDO:0019503, HP:0007700.
Congenital primary aphakia. Also called: ANTERIOR SEGMENT DYSGENESIS 2; Anterior segment dysgenesis 2, multiple subtypes. Identifiers: Orphanet 83461, MedGen C1853230, MONDO:0012456, OMIM 610256.
Cardiovascular phenotype. Identifiers: MedGen CN230736.

Allele frequency attached by ClinVar (database versions not stated): gnomAD 0.00002; gnomAD exomes 0.00003; TOPMed 0.00003.

Submissions (3):

Labcorp Genetics (formerly Invitae), Labcorp
Classification: Uncertain significance for Anterior segment dysgenesis; Congenital primary aphakia. Last evaluated: 2025-06-22. Review status: criteria provided, single submitter. Criteria: Invitae Variant Classification Sherloc (09022015). Collection method: clinical testing. Allele origin: germline.
Comment: This sequence change replaces methionine, which is neutral and non-polar, with valine, which is neutral and non-polar, at codon 7 of the FOXE3 protein (p.Met7Val). This variant is present in population databases (no rsID available, gnomAD 0.005%). This variant has not been reported in the literature in individuals affected with FOXE3-related conditions. ClinVar contains an entry for this variant (Variation ID: 1007471). An algorithm developed to predict the effect of missense changes on protein structure and function (PolyPhen-2) suggests that this variant is likely to be tolerated. In summary, the available evidence is currently insufficient to determine the role of this variant in disease. Therefore, it has been classified as a Variant of Uncertain Significance.

PreventionGenetics, part of Exact Sciences
Classification: Uncertain significance for FOXE3-related condition. Last evaluated: 2025-06-02. Review status: criteria provided, single submitter. Criteria: ACMG Guidelines, 2015. Collection method: clinical testing. Allele origin: germline.
Comment: The FOXE3 c.19A>G variant is predicted to result in the amino acid substitution p.Met7Val. To our knowledge, this variant has not been reported in the literature. This variant is reported in 0.0052% of alleles in individuals of European (Non-Finnish) descent in gnomAD. At this time, the clinical significance of this variant is uncertain due to the absence of conclusive functional and genetic evidence.

Ambry Genetics
Classification: Uncertain significance for Cardiovascular phenotype. Last evaluated: 2024-09-18. Review status: criteria provided, single submitter. Criteria: Ambry Variant Classification Scheme 2023. Collection method: clinical testing. Allele origin: germline.

NM_012186.3(FOXE3):c.19A>G (p.Met7Val)

Genes: FOXE3 (forkhead box E3; plus strand), LINC01389 (long independently transcribed non-coding RNA 1389; minus strand). Cytogenetic location: 1p33.
Variant type: single nucleotide variant.
Coding change: c.19A>G on transcript NM_012186.3 (MANE Select); coding-DNA position 19, A replaced by G.
Protein change: p.Met7Val; replaces methionine 7 with valine.
Molecular consequence: missense variant.
Genome position (GRCh38, 1-based): chr1:47,416,334, A>G. VCF-style: chr1-47416334-A-G. GRCh37 (hg19) VCF-style: chr1-47882006-A-G.
Other names: short protein forms M7V.
Identifiers: ClinVar variation 1007471 (VCV001007471.13), dbSNP rs1300297197, ClinGen allele CA340248865.